The following is an entry in ClinVar:

NM_001034841.4(ITPRIPL2):c.1032G>A (p.Glu344=)

Gene: ITPRIPL2 (ITPRIP like 2; plus strand). Cytogenetic location: 16p12.3.
Variant type: single nucleotide variant.
Coding change: c.1032G>A on transcript NM_001034841.4 (MANE Select); coding-DNA position 1032, G replaced by A.
Protein change: p.Glu344=; no amino-acid change (glutamic acid 344 retained).
Molecular consequence: synonymous variant. On other transcripts: non-coding transcript variant (1).
Genome position (GRCh38, 1-based): chr16:19,115,493, G>A. VCF-style: chr16-19115493-G-A. GRCh37 (hg19) VCF-style: chr16-19126815-G-A.
Identifiers: ClinVar variation 2646274 (VCV002646274.24), dbSNP rs1356815702, ClinGen allele CA494092340.

ClinVar aggregate classification (germline): Likely benign (1 of 4 stars; one submission).

Allele frequency attached by ClinVar (database versions not stated): gnomAD 0.00001; gnomAD exomes 0.00001; TOPMed 0.00001.
gnomAD v4.1: 19 of 1,606,162 alleles (0.0012%); highest among the groups gnomAD compares: Admixed American, 0.0017%; no homozygotes.

Submission:

CeGaT Center for Human Genetics Tuebingen
Classification: Likely benign. Last evaluated: 2022-10-01. Review status: criteria provided, single submitter. Criteria: CeGaT Center For Human Genetics Tuebingen Variant Classification Criteria Version 2. Collection method: clinical testing. Allele origin: germline. Affected: yes. Observed: 1 variant allele.
Comment: ITPRIPL2: BP4, BP7